The following is an entry in ClinVar:

ClinVar aggregate classification (germline): Uncertain significance (1 of 4 stars; one submission).

Submission:

Ambry Genetics
Classification: Uncertain significance. Last evaluated: 2025-07-24. Review status: criteria provided, single submitter. Criteria: Ambry Variant Classification Scheme 2023. Collection method: clinical testing. Allele origin: germline.
Comment: The p.L711V variant (also known as c.2131C>G), located in coding exon 8 of the RNF43 gene, results from a C to G substitution at nucleotide position 2131. The leucine at codon 711 is replaced by valine, an amino acid with highly similar properties. This amino acid position is conserved. In addition, this alteration is predicted to be tolerated by in silico analysis. Based on the available evidence, the clinical significance of this variant remains unclear.

NM_017763.6(RNF43):c.2131C>G (p.Leu711Val)

Gene: RNF43 (ring finger protein 43; minus strand). Cytogenetic location: 17q22.
Variant type: single nucleotide variant.
Coding change: c.2131C>G on transcript NM_017763.6 (MANE Select); coding-DNA position 2131, C replaced by G.
Protein change: p.Leu711Val; replaces leucine 711 with valine.
Molecular consequence: missense variant.
Genome position (GRCh38, 1-based): chr17:58,357,645, G>C on the plus strand (C>G on the coding strand, the complement: RNF43 is on the minus strand). VCF-style: chr17-58357645-G-C. GRCh37 (hg19) VCF-style: chr17-56435006-G-C.
Other names: c.1750C>G, p.Leu584Val (NM_001305545.2, NM_001437987.1); c.2131C>G, p.Leu711Val (NM_001438820.1, NM_001438821.1, NM_001438822.1 and 1 more transcripts); short protein forms L584V, L711V.
Identifiers: ClinVar variation 4155760 (VCV004155760.1).